The following is an entry in ClinVar:

NM_001197104.2(KMT2A):c.9400C>T (p.Leu3134Phe)

Gene: KMT2A (lysine methyltransferase 2A; plus strand). Cytogenetic location: 11q23.3.
Variant type: single nucleotide variant.
Coding change: c.9400C>T on transcript NM_001197104.2 (MANE Select); coding-DNA position 9400, C replaced by T.
Protein change: p.Leu3134Phe; replaces leucine 3134 with phenylalanine.
Molecular consequence: missense variant.
Genome position (GRCh38, 1-based): chr11:118,505,292, C>T. VCF-style: chr11-118505292-C-T. GRCh37 (hg19) VCF-style: chr11-118376007-C-T.
Other names: c.9391C>T, p.Leu3131Phe (NM_005933.4); short protein forms L3131F, L3134F.
Identifiers: ClinVar variation 1189505 (VCV001189505.12), dbSNP rs138969270, ClinGen allele CA6304590.

ClinVar aggregate classification (germline): Conflicting classifications of pathogenicity. Review status: criteria provided, conflicting classifications (1 of 4 stars). 5 submissions from 5 submitters: Uncertain significance (2); Likely benign (2). 1 of the submissions does not count toward it. Last evaluated 2025-10-12.

Conditions:
KMT2A-related disorder. Also called: KMT2A-related condition.

Allele frequency attached by ClinVar (database versions not stated): gnomAD 0.00007 and 0.00009; TOPMed 0.00008; ExAC 0.00011; gnomAD exomes 0.00011 and 0.00013; ESP Exome Variant Server 0.00015.

Submissions (5):

Labcorp Genetics (formerly Invitae), Labcorp
Classification: Uncertain significance. Last evaluated: 2025-10-12. Review status: criteria provided, single submitter. Criteria: Invitae Variant Classification Sherloc (09022015). Collection method: clinical testing. Allele origin: germline.
Comment: This sequence change replaces leucine, which is neutral and non-polar, with phenylalanine, which is neutral and non-polar, at codon 3134 of the KMT2A protein (p.Leu3134Phe). This variant is present in population databases (rs138969270, gnomAD 0.02%). This variant has not been reported in the literature in individuals affected with KMT2A-related conditions. ClinVar contains an entry for this variant (Variation ID: 1189505). Invitae Evidence Modeling of protein sequence and biophysical properties (such as structural, functional, and spatial information, amino acid conservation, physicochemical variation, residue mobility, and thermodynamic stability) indicates that this missense variant is not expected to disrupt KMT2A protein function with a negative predictive value of 95%. In summary, the available evidence is currently insufficient to determine the role of this variant in disease. Therefore, it has been classified as a Variant of Uncertain Significance.

Women's Health and Genetics/Laboratory Corporation of America, LabCorp
Classification: Uncertain significance. Last evaluated: 2025-07-17. Review status: criteria provided, single submitter. Criteria: LabCorp Variant Classification Summary - May 2015. Collection method: clinical testing. Allele origin: germline.
Comment: Variant summary: KMT2A c.9400C>T (p.Leu3134Phe) results in a non-conservative amino acid change in the encoded protein sequence. Algorithms developed to predict the effect of missense changes on protein structure and function all suggest that this variant is likely to be disruptive. The variant allele was found at a frequency of 0.00013 in 251148 control chromosomes, predominantly at a frequency of 0.00026 within the Non-Finnish European subpopulation in the gnomAD database. This frequency is not significantly higher than estimated for a pathogenic variant in KMT2A causing Wiedemann-Steiner Syndrome, allowing no conclusion about variant significance. c.9400C>T has been observed in one individual affected with KMT2A-related intellectual disability (Lebrun_2017). These report(s) do not provide unequivocal conclusions about association of the variant with Wiedemann-Steiner Syndrome. To our knowledge, no experimental evidence demonstrating an impact on protein function has been reported. The following publications have been ascertained in the context of this evaluation (PMID: 29203834, 25239263). ClinVar contains an entry for this variant (Variation ID: 1189505). Based on the evidence outlined above, the variant was classified as uncertain significance.

Blueprint Genetics
Classification: Likely benign. Last evaluated: 2024-09-11. Review status: criteria provided, single submitter. Criteria: ACMG Guidelines, 2015. Collection method: clinical testing. Allele origin: germline.

GeneDx
Classification: Likely benign. Last evaluated: 2019-12-27. Review status: criteria provided, single submitter. Criteria: GeneDx Variant Classification Process June 2021. Collection method: clinical testing. Allele origin: germline. Affected: yes.

PreventionGenetics, part of Exact Sciences
Classification: Likely benign for KMT2A-related condition. Last evaluated: 2022-09-07. Review status: no assertion criteria provided. Collection method: clinical testing. Allele origin: germline. Not counted in ClinVar's aggregate classification.
Comment: This variant is classified as likely benign based on ACMG/AMP sequence variant interpretation guidelines (Richards et al. 2015 PMID: 25741868, with internal and published modifications).

Literature cited by the submitters: PubMed 25239263 (cited by Women's Health and Genetics/Laboratory Corporation of America, LabCorp); PubMed 29203834 (cited by Women's Health and Genetics/Laboratory Corporation of America, LabCorp).